The following continues an entry in ClinVar:

NM_006070.6(TFG):c.722-8G>T

Gene: TFG. ClinVar aggregate classification (germline): Benign. Benign (5).

Submissions 32 to 49 of 49:

Dr. Peter K. Rogan Lab, Western University
No classification provided (evidence only). Condition: Cervical cancer. Review status: no classification provided. Collection method: in vitro. Allele origin: not applicable. Functional consequence: retained intron. Not counted in ClinVar's aggregate classification.

Dr. Peter K. Rogan Lab, Western University
No classification provided (evidence only). Condition: Sarcoma. Review status: no classification provided. Collection method: in vitro. Allele origin: not applicable. Functional consequence: retained intron. Not counted in ClinVar's aggregate classification.

Dr. Peter K. Rogan Lab, Western University
No classification provided (evidence only). Condition: Thymoma. Review status: no classification provided. Collection method: in vitro. Allele origin: not applicable. Functional consequence: cryptic splice site, retained intron. Not counted in ClinVar's aggregate classification.

Dr. Peter K. Rogan Lab, Western University
No classification provided (evidence only). Condition: Cholangiocarcinoma. Review status: no classification provided. Collection method: in vitro. Allele origin: not applicable. Functional consequence: retained intron. Not counted in ClinVar's aggregate classification.

Dr. Peter K. Rogan Lab, Western University
No classification provided (evidence only). Condition: Cholangiocarcinoma. Review status: no classification provided. Collection method: in vitro. Allele origin: not applicable. Functional consequence: cryptic splice site, retained intron. Not counted in ClinVar's aggregate classification.

Dr. Peter K. Rogan Lab, Western University
No classification provided (evidence only). Condition: Ovarian serous cystadenocarcinoma. Review status: no classification provided. Collection method: in vitro. Allele origin: not applicable. Functional consequence: retained intron. Not counted in ClinVar's aggregate classification.

Dr. Peter K. Rogan Lab, Western University
No classification provided (evidence only). Condition: Ovarian serous cystadenocarcinoma. Review status: no classification provided. Collection method: in vitro. Allele origin: not applicable. Functional consequence: retained intron. Not counted in ClinVar's aggregate classification.

Dr. Peter K. Rogan Lab, Western University
No classification provided (evidence only). Condition: Ovarian serous cystadenocarcinoma. Review status: no classification provided. Collection method: in vitro. Allele origin: not applicable. Functional consequence: retained intron. Not counted in ClinVar's aggregate classification.

Dr. Peter K. Rogan Lab, Western University
No classification provided (evidence only). Condition: Ovarian serous cystadenocarcinoma. Review status: no classification provided. Collection method: in vitro. Allele origin: not applicable. Functional consequence: retained intron. Not counted in ClinVar's aggregate classification.

Dr. Peter K. Rogan Lab, Western University
No classification provided (evidence only). Condition: Ovarian serous cystadenocarcinoma. Review status: no classification provided. Collection method: in vitro. Allele origin: not applicable. Functional consequence: retained intron. Not counted in ClinVar's aggregate classification.

Dr. Peter K. Rogan Lab, Western University
No classification provided (evidence only). Condition: Gastric cancer. Review status: no classification provided. Collection method: in vitro. Allele origin: not applicable. Functional consequence: retained intron. Not counted in ClinVar's aggregate classification.

Dr. Peter K. Rogan Lab, Western University
No classification provided (evidence only). Condition: Gastric cancer. Review status: no classification provided. Collection method: in vitro. Allele origin: not applicable. Functional consequence: retained intron. Not counted in ClinVar's aggregate classification.

Dr. Peter K. Rogan Lab, Western University
No classification provided (evidence only). Condition: Gastric cancer. Review status: no classification provided. Collection method: in vitro. Allele origin: not applicable. Functional consequence: retained intron. Not counted in ClinVar's aggregate classification.

Dr. Peter K. Rogan Lab, Western University
No classification provided (evidence only). Condition: Gastric cancer. Review status: no classification provided. Collection method: in vitro. Allele origin: not applicable. Functional consequence: retained intron. Not counted in ClinVar's aggregate classification.

Dr. Peter K. Rogan Lab, Western University
No classification provided (evidence only). Condition: Uveal melanoma. Review status: no classification provided. Collection method: in vitro. Allele origin: not applicable. Functional consequence: retained intron. Not counted in ClinVar's aggregate classification.

Dr. Peter K. Rogan Lab, Western University
No classification provided (evidence only). Condition: Malignant tumor of esophagus. Review status: no classification provided. Collection method: in vitro. Allele origin: not applicable. Functional consequence: retained intron. Not counted in ClinVar's aggregate classification.

Dr. Peter K. Rogan Lab, Western University
No classification provided (evidence only). Condition: Malignant tumor of esophagus. Review status: no classification provided. Collection method: in vitro. Allele origin: not applicable. Functional consequence: retained intron. Not counted in ClinVar's aggregate classification.

Dr. Peter K. Rogan Lab, Western University
No classification provided (evidence only). Condition: Malignant tumor of esophagus. Review status: no classification provided. Collection method: in vitro. Allele origin: not applicable. Functional consequence: cryptic splice site. Not counted in ClinVar's aggregate classification.